The following is an entry in ClinVar:

NM_001458.5(FLNC):c.4660A>C (p.Ile1554Leu)

Gene: FLNC (filamin C; plus strand). Cytogenetic location: 7q32.1.
Variant type: single nucleotide variant.
Coding change: c.4660A>C on transcript NM_001458.5 (MANE Select); coding-DNA position 4660, A replaced by C.
Protein change: p.Ile1554Leu; replaces isoleucine 1554 with leucine.
Molecular consequence: missense variant.
Genome position (GRCh38, 1-based): chr7:128,848,640, A>C. VCF-style: chr7-128848640-A-C. GRCh37 (hg19) VCF-style: chr7-128488694-A-C.
Other names: c.4660A>C, p.Ile1554Leu (NM_001127487.2); short protein forms I1554L.
Identifiers: ClinVar variation 539376 (VCV000539376.19), dbSNP rs754224673, ClinGen allele CA4475416.

ClinVar aggregate classification (germline): Conflicting classifications of pathogenicity. Review status: criteria provided, conflicting classifications (1 of 4 stars). 7 submissions from 7 submitters: Uncertain significance (6); Likely benign (1). Last evaluated 2026-03-31.

Conditions:
FLNC-related disorder. Also called: FLNC-related disorders; FLNC-related condition.
Cardiovascular phenotype. Identifiers: MedGen CN230736.
Hypertrophic cardiomyopathy 26. Also called: Cardiomyopathy, familial hypertrophic, 26. Identifiers: Orphanet 75249, MedGen C4310749, MONDO:0014883, OMIM 617047.
Distal myopathy with posterior leg and anterior hand involvement. Also called: WILLIAMS DISTAL MYOPATHY. Identifiers: Orphanet 63273, MedGen C3279722, MONDO:0013550, OMIM 614065.
Myofibrillar myopathy 5. Also called: Filaminopathy (type); FILAMINOPATHY, AUTOSOMAL DOMINANT. Identifiers: Orphanet 171445, MedGen C1836050, MONDO:0012289, OMIM 609524.

Allele frequency attached by ClinVar (database versions not stated): TOPMed 0.00005; gnomAD exomes 0.00008; gnomAD 0.00004.
gnomAD v4.1: 116 of 1,613,378 alleles (0.0072%); highest among the groups gnomAD compares: Non-Finnish European, 0.0095%; no homozygotes.

Submissions (7):

PreventionGenetics, part of Exact Sciences
Classification: Uncertain significance for FLNC-related condition. Last evaluated: 2026-03-31. Review status: criteria provided, single submitter. Criteria: ACMG Guidelines, 2015. Collection method: clinical testing. Allele origin: germline.
Comment: The FLNC c.4660A>C variant is predicted to result in the amino acid substitution p.Ile1554Leu. To our knowledge, this variant has not been reported in the literature. This variant is reported in 0.0086% of alleles in individuals of European (Non-Finnish) descent in gnomAD. At this time, the clinical significance of this variant is uncertain due to the absence of conclusive functional and genetic evidence.

Labcorp Genetics (formerly Invitae), Labcorp
Classification: Uncertain significance for Distal myopathy with posterior leg and anterior hand involvement; Myofibrillar myopathy 5; Hypertrophic cardiomyopathy 26. Last evaluated: 2025-05-30. Review status: criteria provided, single submitter. Criteria: Invitae Variant Classification Sherloc (09022015). Collection method: clinical testing. Allele origin: germline.
Comment: This sequence change replaces isoleucine, which is neutral and non-polar, with leucine, which is neutral and non-polar, at codon 1554 of the FLNC protein (p.Ile1554Leu). This variant is present in population databases (rs754224673, gnomAD 0.009%). This variant has not been reported in the literature in individuals affected with FLNC-related conditions. ClinVar contains an entry for this variant (Variation ID: 539376). Invitae Evidence Modeling of protein sequence and biophysical properties (such as structural, functional, and spatial information, amino acid conservation, physicochemical variation, residue mobility, and thermodynamic stability) has been performed for this missense variant. However, the output from this modeling did not meet the statistical confidence thresholds required to predict the impact of this variant on FLNC protein function. In summary, the available evidence is currently insufficient to determine the role of this variant in disease. Therefore, it has been classified as a Variant of Uncertain Significance.

Ambry Genetics
Classification: Uncertain significance for Cardiovascular phenotype. Last evaluated: 2023-10-31. Review status: criteria provided, single submitter. Criteria: Ambry Variant Classification Scheme 2023. Collection method: clinical testing. Allele origin: germline.
Comment: The p.I1554L variant (also known as c.4660A>C), located in coding exon 27 of the FLNC gene, results from an A to C substitution at nucleotide position 4660. The isoleucine at codon 1554 is replaced by leucine, an amino acid with highly similar properties. This amino acid position is not well conserved in available vertebrate species. In addition, the in silico prediction for this alteration is inconclusive. Since supporting evidence is limited at this time, the clinical significance of this alteration remains unclear.

Department of Pathology and Laboratory Medicine, Sinai Health System
Classification: Uncertain significance for Myofibrillar myopathy 5; Distal myopathy with posterior leg and anterior hand involvement; Hypertrophic cardiomyopathy 26. Last evaluated: 2022-11-14. Review status: criteria provided, single submitter. Criteria: ACMG Guidelines, 2015. Collection method: research. Allele origin: germline.

Blueprint Genetics
Classification: Likely benign. Last evaluated: 2022-03-30. Review status: criteria provided, single submitter. Criteria: ACMG Guidelines, 2015. Collection method: clinical testing. Allele origin: germline.

Revvity Omics, Revvity
Classification: Uncertain significance. Last evaluated: 2022-03-14. Review status: criteria provided, single submitter. Criteria: ACMG Guidelines, 2015. Collection method: clinical testing. Allele origin: germline.

GeneDx
Classification: Uncertain significance. Last evaluated: 2019-11-21. Review status: criteria provided, single submitter. Criteria: GeneDx Variant Classification Process June 2021. Collection method: clinical testing. Allele origin: germline. Affected: yes.
Comment: Has not been previously published as pathogenic or benign to our knowledge; Reported in ClinVar as a variant of uncertain significance (ClinVar Variant ID# 539376; Landrum et al., 2016); In silico analysis, which includes protein predictors and evolutionary conservation, supports that this variant does not alter protein structure/function